The following is an entry in ClinVar:

ClinVar aggregate classification (germline): Uncertain significance (1 of 4 stars; one submission).

Conditions:
Fabry disease. Also called: ALPHA-GALACTOSIDASE A DEFICIENCY; ANDERSON-FABRY DISEASE; CERAMIDE TRIHEXOSIDASE DEFICIENCY; GLA DEFICIENCY; HEREDITARY DYSTOPIC LIPIDOSIS; Angiokeratoma corporis diffusum. Identifiers: Orphanet 324, MedGen C0002986, MONDO:0010526, OMIM 301500, HP:0001071. Disease mechanism: Fabry disease is due to inactivating mutations in the X-linked GLA gene resulting in deficiency of the enzyme Alpha Galactosidase-A., loss of function.

Submission:

Genomenon, Inc
Classification: Uncertain significance for Fabry disease. Last evaluated: 2026-09-08. Review status: criteria provided, single submitter. Criteria: Genomenon Sequence Variant Interpretation Standards - Updated. Collection method: curation. Allele origin: germline. Affected: no.
Comment: GLA p.Gln327Glu (c.979C>G) is a missense variant that changes the amino acid at codon 327 from Glutamine to Glutamic acid. This variant has been reported in the published literature (PMID:27356758;15776423;32995357;32023956;23935525;25841341;27657681). The presence of pathogenic/likely pathogenic missense variant(s) at the same amino acid position indicates that this residue is likely important for protein function. It is absent or not present at a significant frequency in gnomAD. In silico models predict that this variant is possibly or probably damaging. In conclusion, we classify GLA p.Gln327Glu (c.979C>G) as a variant of uncertain significance.

Literature cited by the submitters: PubMed 27356758; PubMed 15776423; PubMed 32995357; PubMed 32023956; PubMed 23935525; PubMed 25841341; PubMed 27657681.

NM_000169.3(GLA):c.979C>G (p.Gln327Glu)

Genes: GLA (galactosidase alpha; minus strand), RPL36A-HNRNPH2 (RPL36A-HNRNPH2 readthrough; plus strand). Cytogenetic location: Xq22.1.
Variant type: single nucleotide variant.
Coding change: c.979C>G on transcript NM_000169.3 (MANE Select); coding-DNA position 979, C replaced by G.
Protein change: p.Gln327Glu; replaces glutamine 327 with glutamic acid.
Molecular consequence: missense variant. On other transcripts: non-coding transcript variant (3), intron variant (2).
Genome position (GRCh38, 1-based): chrX:101,398,390, G>C on the plus strand (C>G on the coding strand, the complement: GLA is on the minus strand). VCF-style: chrX-101398390-G-C. GRCh37 (hg19) VCF-style: chrX-100653378-G-C.
Other names: c.1102C>G, p.Gln368Glu (NM_001406747.1); c.979C>G, p.Gln327Glu (NM_001406748.1); c.300+2933G>C (NM_001199973.2); c.177+6568G>C (NM_001199974.2); short protein forms Q327E, Q368E.
Identifiers: ClinVar variation 4087610 (VCV004087610.2).
Genomic context (GRCh38, chrX:101,398,390, plus strand): 5'-GGGTATATAAAGCCATCTTAAAATATATACTCTTATTTACCTGTCTAAGCTGGTACCCTT[G>C]CTTGCCCAAGGGGTCCTGATTGATGGCAATTACGTCCTTATCCTGAAGGAGAGCTTTGGC-3'
Protein context (NP_000160.1, residues 317-337): IAINQDPLGK[Gln327Glu]GYQLRQGDNF